The following is an entry in ClinVar:

ClinVar aggregate classification (germline): Uncertain significance (1 of 4 stars; one submission).

Conditions:
Familial thoracic aortic aneurysm and aortic dissection (TAAD). Also called: Thoracic aortic aneurysms and dissections. Identifiers: Orphanet 91387, MedGen C4707243, MONDO:0019625.

Submission:

Ambry Genetics
Classification: Uncertain significance for Familial thoracic aortic aneurysm and aortic dissection. Last evaluated: 2024-06-24. Review status: criteria provided, single submitter. Criteria: Ambry Variant Classification Scheme 2023. Collection method: clinical testing. Allele origin: germline.
Comment: The p.S2290R variant (also known as c.6870C>A), located in coding exon 34 of the NOTCH1 gene, results from a C to A substitution at nucleotide position 6870. The serine at codon 2290 is replaced by arginine, an amino acid with dissimilar properties. This amino acid position is not well conserved in available vertebrate species. In addition, this alteration is predicted to be tolerated by in silico analysis. Based on the available evidence, the clinical significance of this variant remains unclear.

NM_017617.5(NOTCH1):c.6870C>A (p.Ser2290Arg)

Gene: NOTCH1 (notch receptor 1; minus strand). Cytogenetic location: 9q34.3.
Variant type: single nucleotide variant.
Coding change: c.6870C>A on transcript NM_017617.5 (MANE Select); coding-DNA position 6870, C replaced by A.
Protein change: p.Ser2290Arg; replaces serine 2290 with arginine.
Molecular consequence: missense variant.
Genome position (GRCh38, 1-based): chr9:136,496,869, G>T on the plus strand (C>A on the coding strand, the complement: NOTCH1 is on the minus strand). VCF-style: chr9-136496869-G-T. GRCh37 (hg19) VCF-style: chr9-139391321-G-T.
Other names: short protein forms S2290R.
Identifiers: ClinVar variation 3300430 (VCV003300430.1).